The following is an entry in ClinVar:

ClinVar aggregate classification (germline): Pathogenic (1 of 4 stars; one submission).

Conditions:
Werner syndrome (WRN). Identifiers: Orphanet 902, MedGen C0043119, MONDO:0010196, OMIM 277700.

Submission:

Labcorp Genetics (formerly Invitae), Labcorp
Classification: Pathogenic for Werner syndrome. Last evaluated: 2023-12-01. Review status: criteria provided, single submitter. Criteria: Invitae Variant Classification Sherloc (09022015). Collection method: clinical testing. Allele origin: germline.
Comment: This variant is a gross deletion of the genomic region encompassing exon(s) 19-23 of the WRN gene. This deletion is out-of-frame, and is expected to create a premature termination codon and result in an absent or disrupted protein product. Loss-of-function variants in WRN are known to be pathogenic (PMID: 16673358). A similar copy number variant has been observed in individual(s) with Werner syndrome (PMID: 8968742). This variant is also known as c.2320‚Äì3056 deletion. For these reasons, this variant has been classified as Pathogenic.

Literature cited by the submitters: PubMed 16673358; PubMed 8968742.

NC_000008.11:g.(?_31108591)_(31125010_?)del

Gene: WRN (WRN RecQ like helicase; plus strand). Cytogenetic location: 8p12.
Variant type: Deletion.
Identifiers: ClinVar variation 832593 (VCV000832593.8).